The following is an entry in ClinVar:

NM_001256071.3(RNF213):c.1302A>G (p.Glu434=)

Gene: RNF213 (ring finger protein 213; plus strand). Cytogenetic location: 17q25.3.
Variant type: single nucleotide variant.
Coding change: c.1302A>G on transcript NM_001256071.3 (MANE Select); coding-DNA position 1302, A replaced by G.
Protein change: p.Glu434=; no amino-acid change (glutamic acid 434 retained).
Molecular consequence: synonymous variant.
Genome position (GRCh38, 1-based): chr17:80,291,658, A>G. VCF-style: chr17-80291658-A-G. GRCh37 (hg19) VCF-style: chr17-78265457-A-G.
Other names: c.1449A>G, p.Glu483= (NM_001410195.1, NM_020914.5); c.1302A>G, p.Glu434= (NM_020954.4).
Identifiers: ClinVar variation 2648408 (VCV002648408.24), dbSNP rs368462132, ClinGen allele CA8819535.

ClinVar aggregate classification (germline): Likely benign (1 of 4 stars; one submission).

Allele frequency attached by ClinVar (database versions not stated): ExAC 0.00008; ESP Exome Variant Server 0.00008; gnomAD 0.00011; TOPMed 0.00011; gnomAD exomes 0.00022.
gnomAD v4.1: 326 of 1,614,106 alleles (0.02%); highest among the groups gnomAD compares: Non-Finnish European, 0.027%; no homozygotes.

Submission:

CeGaT Center for Human Genetics Tuebingen
Classification: Likely benign. Last evaluated: 2022-05-01. Review status: criteria provided, single submitter. Criteria: CeGaT Center For Human Genetics Tuebingen Variant Classification Criteria Version 2. Collection method: clinical testing. Allele origin: germline. Affected: yes. Observed: 1 variant allele.
Comment: RNF213: BP4, BP7